The following is an entry in ClinVar:

NM_012330.4(KAT6B):c.4530A>T (p.Glu1510Asp)

Gene: KAT6B (lysine acetyltransferase 6B; plus strand). Cytogenetic location: 10q22.2.
Variant type: single nucleotide variant.
Coding change: c.4530A>T on transcript NM_012330.4 (MANE Select); coding-DNA position 4530, A replaced by T.
Protein change: p.Glu1510Asp; replaces glutamic acid 1510 with aspartic acid.
Molecular consequence: missense variant.
Genome position (GRCh38, 1-based): chr10:75,029,354, A>T. VCF-style: chr10-75029354-A-T. GRCh37 (hg19) VCF-style: chr10-76789112-A-T.
Other names: c.3981A>T, p.Glu1327Asp (NM_001256468.2, NM_001370138.1); c.3654A>T, p.Glu1218Asp (NM_001256469.2, NM_001370139.1, NM_001370140.1 and 2 more transcripts); c.3492A>T, p.Glu1164Asp (NM_001370132.1); c.2841A>T, p.Glu947Asp (NM_001370133.1); c.2445A>T, p.Glu815Asp (NM_001370134.1); c.2187A>T, p.Glu729Asp (NM_001370135.1); c.4530A>T, p.Glu1510Asp (NM_001370136.1, NM_001370137.1); c.3465A>T, p.Glu1155Asp (NM_001370143.1, NM_001370144.1); short protein forms E1218D, E815D, E1155D, E1327D, E1510D, E1164D, E729D, E947D.
Identifiers: ClinVar variation 4745835 (VCV004745835.1).

ClinVar aggregate classification (germline): Uncertain significance (1 of 4 stars; one submission).

Conditions:
Genitopatellar syndrome (GTPTS). Also called: ABSENT PATELLAE, SCROTAL HYPOPLASIA, RENAL ANOMALIES, FACIAL DYSMORPHISM, AND MENTAL RETARDATION; Genitopatellar syndrome (GPS). Identifiers: Orphanet 85201, MedGen C1853566, MONDO:0011640, OMIM 606170.

Submission:

Labcorp Genetics (formerly Invitae), Labcorp
Classification: Uncertain significance for Genitopatellar syndrome. Last evaluated: 2025-03-23. Review status: criteria provided, single submitter. Criteria: Invitae Variant Classification Sherloc (09022015). Collection method: clinical testing. Allele origin: germline.
Comment: This sequence change replaces glutamic acid, which is acidic and polar, with aspartic acid, which is acidic and polar, at codon 1510 of the KAT6B protein (p.Glu1510Asp). This variant is present in population databases (rs746194410, gnomAD 0.003%). This variant has not been reported in the literature in individuals affected with KAT6B-related conditions. Invitae Evidence Modeling of protein sequence and biophysical properties (such as structural, functional, and spatial information, amino acid conservation, physicochemical variation, residue mobility, and thermodynamic stability) indicates that this missense variant is not expected to disrupt KAT6B protein function with a negative predictive value of 80%. In summary, the available evidence is currently insufficient to determine the role of this variant in disease. Therefore, it has been classified as a Variant of Uncertain Significance.